The following is an entry in ClinVar:

ClinVar aggregate classification (germline): Uncertain significance. Review status: criteria provided, multiple submitters, no conflicts (2 of 4 stars). 2 submissions from 2 submitters: Uncertain significance (2). Last evaluated 2024-03-06.

Conditions:
Aortic aneurysm, familial thoracic 4 (AAT4). Also called: AORTIC ANEURYSM/AORTIC DISSECTION AND PATENT DUCTUS ARTERIOSUS. Identifiers: MedGen C1851504, MONDO:0007568, OMIM 132900.
Familial thoracic aortic aneurysm and aortic dissection (TAAD). Also called: Thoracic aortic aneurysms and dissections. Identifiers: Orphanet 91387, MedGen C4707243, MONDO:0019625.

Allele frequency attached by ClinVar (database versions not stated): gnomAD exomes below 0.00001 and 0.00001; ExAC 0.00001.
gnomAD v4.1: 5 of 1,614,216 alleles (0.00031%); highest among the groups gnomAD compares: South Asian, 0.0022%; no homozygotes.

Submissions (2):

Color Diagnostics, LLC DBA Color Health
Classification: Uncertain significance for Familial thoracic aortic aneurysm and aortic dissection. Last evaluated: 2024-03-06. Review status: criteria provided, single submitter. Criteria: ACMG Guidelines, 2015. Collection method: clinical testing. Allele origin: germline.
Comment: This missense variant replaces leucine with valine at codon 1436 of the MYH11 protein. Computational prediction suggests that this variant may not impact protein structure and function (internally defined REVEL score threshold <= 0.5, PMID: 27666373). To our knowledge, functional studies have not been reported for this variant. This variant has not been reported in individuals affected with cardiovascular disorders in the literature. This variant has been identified in 2/251490 chromosomes in the general population by the Genome Aggregation Database (gnomAD). The available evidence is insufficient to determine the role of this variant in disease conclusively. Therefore, this variant is classified as a Variant of Uncertain Significance.

Labcorp Genetics (formerly Invitae), Labcorp
Classification: Uncertain significance for Aortic aneurysm, familial thoracic 4. Last evaluated: 2020-10-26. Review status: criteria provided, single submitter. Criteria: Invitae Variant Classification Sherloc (09022015). Collection method: clinical testing. Allele origin: germline.
Comment: In summary, the available evidence is currently insufficient to determine the role of this variant in disease. Therefore, it has been classified as a Variant of Uncertain Significance. Algorithms developed to predict the effect of sequence changes on RNA splicing suggest that this variant may create or strengthen a splice site, but this prediction has not been confirmed by published transcriptional studies. Algorithms developed to predict the effect of missense changes on protein structure and function (SIFT, PolyPhen-2, Align-GVGD) all suggest that this variant is likely to be disruptive, but these predictions have not been confirmed by published functional studies and their clinical significance is uncertain. This variant has not been reported in the literature in individuals with MYH11-related conditions. ClinVar contains an entry for this variant (Variation ID: 918472). This variant is present in population databases (rs753916027, ExAC 0.006%). This sequence change replaces leucine with valine at codon 1436 of the MYH11 protein (p.Leu1436Val). The leucine residue is highly conserved and there is a small physicochemical difference between leucine and valine.

NM_002474.3(MYH11):c.4285C>G (p.Leu1429Val)

Genes: NDE1 (nudE neurodevelopment protein 1; plus strand), MYH11 (myosin heavy chain 11; minus strand). Cytogenetic location: 16p13.11.
Variant type: single nucleotide variant.
Coding change: c.4285C>G on transcript NM_002474.3 (MANE Select); coding-DNA position 4285, C replaced by G.
Protein change: p.Leu1429Val; replaces leucine 1429 with valine.
Molecular consequence: missense variant.
Genome position (GRCh38, 1-based): chr16:15,724,241, G>C on the plus strand (C>G on the coding strand, the complement: MYH11 is on the minus strand). VCF-style: chr16-15724241-G-C. GRCh37 (hg19) VCF-style: chr16-15818098-G-C.
Other names: c.4306C>G, p.Leu1436Val (NM_001040113.2, NM_001040114.2); c.4285C>G, p.Leu1429Val (NM_022844.3); c.998G>C, p.Ser333Thr (NM_001143979.2, NM_017668.3); short protein forms L1436V, L1429V, S333T.
Identifiers: ClinVar variation 918472 (VCV000918472.11), dbSNP rs753916027, ClinGen allele CA7921721.